The following is an entry in ClinVar:

NM_002373.6(MAP1A):c.5342del (p.Pro1781fs)

Gene: MAP1A (microtubule associated protein 1A; plus strand). Cytogenetic location: 15q15.3.
Variant type: Deletion.
Coding change: c.5342del on transcript NM_002373.6 (MANE Select); coding-DNA position 5342, one base deleted (C; older notation c.5342delC).
Protein change: p.Pro1781fs; shifts the reading frame from proline 1781.
Molecular consequence: frameshift variant.
Genome position (GRCh38, 1-based): chr15:43,526,815, C deleted; the last of 2 consecutive C bases (chr15:43,526,814-43,526,815); deleting either gives the same sequence. VCF-style (leftmost placement, unchanged base first): chr15-43526813-GC-G. GRCh37 (hg19) VCF-style: chr15-43819011-GC-G.
Other names: c.6056del, p.Pro2019fs (NM_001411089.1); short protein forms P1781fs, P2019fs.
Identifiers: ClinVar variation 4851833 (VCV004851833.1).
Genomic context (GRCh38, chr15:43,526,813, plus strand): 5'-ATCCTCACCACAGAAGGGGCTAGAGGTGGAGCGCTGGCTTGCTGAATCACCAGTTGGGTT[GC>G]CACCAGAGGAAGAGGACAAACTGACCCGCTCTCCCTTTGAGATCATCTCCCCTCCAGCTT-3'

ClinVar aggregate classification (germline): Uncertain significance (1 of 4 stars; one submission).

Submission:

Dasa
Classification: Uncertain significance. Last evaluated: 2024-09-27. Review status: criteria provided, single submitter. Criteria: DASA Assertion Criteria. Collection method: clinical testing. Allele origin: germline.
Comment: NM_002373.6(MAP1A):c.5342del (p.Pro1781Hisfs*8) introduces a premature termination codon predicted to result in loss of normal protein function. Loss-of-function is an established mechanism of disease for this gene. The variant is present at low frequency in population datasets. Based on the available data, this variant is classified as variant of uncertain significance.